The following is an entry in ClinVar:

ClinVar aggregate classification (germline): Uncertain significance (1 of 4 stars; one submission).

Conditions:
Cardiovascular phenotype. Identifiers: MedGen CN230736.

Submission:

Ambry Genetics
Classification: Uncertain significance for Cardiovascular phenotype. Last evaluated: 2025-08-24. Review status: criteria provided, single submitter. Criteria: Ambry Variant Classification Scheme 2023. Collection method: clinical testing. Allele origin: germline.
Comment: The p.P1179S variant (also known as c.3535C>T), located in coding exon 23 of the SOS1 gene, results from a C to T substitution at nucleotide position 3535. The proline at codon 1179 is replaced by serine, an amino acid with similar properties. This amino acid position is conserved. In addition, the in silico prediction for this alteration is inconclusive. Based on the available evidence, the clinical significance of this variant remains unclear.

NM_005633.4(SOS1):c.3535C>T (p.Pro1179Ser)

Gene: SOS1 (SOS Ras/Rac guanine nucleotide exchange factor 1; minus strand). Cytogenetic location: 2p22.1.
Variant type: single nucleotide variant.
Coding change: c.3535C>T on transcript NM_005633.4 (MANE Select); coding-DNA position 3535, C replaced by T.
Protein change: p.Pro1179Ser; replaces proline 1179 with serine.
Molecular consequence: missense variant.
Genome position (GRCh38, 1-based): chr2:38,986,291, G>A on the plus strand (C>T on the coding strand, the complement: SOS1 is on the minus strand). VCF-style: chr2-38986291-G-A. GRCh37 (hg19) VCF-style: chr2-39213432-G-A.
Other names: c.3514C>T, p.Pro1172Ser (NM_001382394.1); c.3490C>T, p.Pro1164Ser (NM_001382395.1); short protein forms P1179S, P1172S, P1164S.
Identifiers: ClinVar variation 4171995 (VCV004171995.1).